The following is an entry in ClinVar:

ClinVar aggregate classification (germline): Uncertain significance (1 of 4 stars; one submission).

Conditions:
Dilated cardiomyopathy 1DD (CMD1DD). Identifiers: Orphanet 154, MedGen C2750995, MONDO:0013168, OMIM 613172.

Submission:

Labcorp Genetics (formerly Invitae), Labcorp
Classification: Uncertain significance for Dilated cardiomyopathy 1DD. Last evaluated: 2023-08-06. Review status: criteria provided, single submitter. Criteria: Invitae Variant Classification Sherloc (09022015). Collection method: clinical testing. Allele origin: germline.
Comment: In summary, the available evidence is currently insufficient to determine the role of this variant in disease. Therefore, it has been classified as a Variant of Uncertain Significance. This variant has not been reported in the literature in individuals affected with RBM20-related conditions. This sequence change creates a premature translational stop signal (Deletion (Exons 2-12)) in the RBM20 gene. It is expected to result in an absent or disrupted protein product. However, the current clinical and genetic evidence is not sufficient to establish whether loss-of-function variants in RBM20 cause disease.

NC_000010.10:g.(?_112540539)_(112583392_?)del

Gene: RBM20 (RNA binding motif protein 20; plus strand). Cytogenetic location: 10q25.2.
Variant type: Deletion.
Identifiers: ClinVar variation 1410210 (VCV001410210.7).